The following is an entry in ClinVar:

NM_033409.4(SLC52A3):c.646G>A (p.Ala216Thr)

Gene: SLC52A3 (solute carrier family 52 member 3; minus strand). Cytogenetic location: 20p13.
Variant type: single nucleotide variant.
Coding change: c.646G>A on transcript NM_033409.4 (MANE Select); coding-DNA position 646, G replaced by A.
Protein change: p.Ala216Thr; replaces alanine 216 with threonine.
Molecular consequence: missense variant.
Genome position (GRCh38, 1-based): chr20:763,925, C>T on the plus strand (G>A on the coding strand, the complement: SLC52A3 is on the minus strand). VCF-style: chr20-763925-C-T. GRCh37 (hg19) VCF-style: chr20-744569-C-T.
Other names: c.646G>A, p.Ala216Thr (NM_001370085.1, NM_001370086.1); short protein forms A216T.
Identifiers: ClinVar variation 573783 (VCV000573783.9), dbSNP rs202130911, ClinGen allele CA9724710.
Genomic context (GRCh38, chr20:763,925, plus strand): 5'-CGAGGCAGCAGGCCATCATGATGGATAGGAGGAGGAAGAAGACCAGGGGTGAGAAGTGGG[C>T]GGGAAGGTAGCGGCTCTCCAGGTGGGACAAGGGTGCTTCCATTCCGGGGAGGGCGGACAC-3'
Protein context (NP_212134.3, residues 206-226): LSHLESRYLP[Ala216Thr]HFSPLVFFLL

ClinVar aggregate classification (germline): Uncertain significance. Review status: criteria provided, multiple submitters, no conflicts (2 of 4 stars). 3 submissions from 3 submitters: Uncertain significance (3). Last evaluated 2026-06-30.

Conditions:
Brown-Vialetto-van Laere syndrome 1. Also called: BROWN-VIALETTO-VAN LAERE SYNDROME 1, MILD; PONTOBULBAR PALSY WITH DEAFNESS; BULBAR PALSY, PROGRESSIVE, WITH SENSORINEURAL DEAFNESS. Identifiers: Orphanet 572550, Orphanet 97229, MedGen C0796274, MONDO:0024537, OMIM 211530.
SLC52A3-related disorder. Also called: SLC52A3-related condition.
Inborn genetic diseases. Identifiers: MedGen C0950123, MeSH D030342.

Allele frequency attached by ClinVar (database versions not stated): 1000 Genomes Project 0.00040; gnomAD exomes 0.00002 and 0.00003; ExAC 0.00003; gnomAD 0.00022 and 0.00024; TOPMed 0.00047; 1000 Genomes Project 30x 0.00047.
gnomAD v4.1: 81 of 1,613,824 alleles (0.005%); highest among the groups gnomAD compares: Admixed American, 0.068%; no homozygotes.

Submissions (3):

PreventionGenetics, part of Exact Sciences
Classification: Uncertain significance for SLC52A3-related condition. Last evaluated: 2026-06-30. Review status: criteria provided, single submitter. Criteria: ACMG Guidelines, 2015. Collection method: clinical testing. Allele origin: germline.
Comment: The SLC52A3 c.646G>A variant is predicted to result in the amino acid substitution p.Ala216Thr. To our knowledge, this variant has not been reported in the literature. This variant is reported in 0.014% of alleles in individuals of Latino descent in gnomAD. At this time, the clinical significance of this variant is uncertain due to the absence of conclusive functional and genetic evidence.

Labcorp Genetics (formerly Invitae), Labcorp
Classification: Uncertain significance for Brown-Vialetto-van Laere syndrome 1. Last evaluated: 2022-10-05. Review status: criteria provided, single submitter. Criteria: Invitae Variant Classification Sherloc (09022015). Collection method: clinical testing. Allele origin: germline.
Comment: This sequence change replaces alanine, which is neutral and non-polar, with threonine, which is neutral and polar, at codon 216 of the SLC52A3 protein (p.Ala216Thr). This variant is present in population databases (rs202130911, gnomAD 0.006%). This variant has not been reported in the literature in individuals affected with SLC52A3-related conditions. ClinVar contains an entry for this variant (Variation ID: 573783). Advanced modeling of protein sequence and biophysical properties (such as structural, functional, and spatial information, amino acid conservation, physicochemical variation, residue mobility, and thermodynamic stability) performed at Invitae indicates that this missense variant is not expected to disrupt SLC52A3 protein function. In summary, the available evidence is currently insufficient to determine the role of this variant in disease. Therefore, it has been classified as a Variant of Uncertain Significance.

Ambry Genetics
Classification: Uncertain significance for Inborn genetic diseases. Last evaluated: 2019-10-01. Review status: criteria provided, single submitter. Criteria: Ambry Variant Classification Scheme 2023. Collection method: clinical testing. Allele origin: germline.
Comment: The p.A216T variant (also known as c.646G>A), located in coding exon 2 of the SLC52A3 gene, results from a G to A substitution at nucleotide position 646. The alanine at codon 216 is replaced by threonine, an amino acid with similar properties. This amino acid position is not well conserved in available vertebrate species. In addition, this alteration is predicted to be tolerated by in silico analysis. Since supporting evidence is limited at this time, the clinical significance of this alteration remains unclear.